The following is an entry in ClinVar:

NM_025219.3(DNAJC5):c.*1630C>T

Gene: DNAJC5 (DnaJ heat shock protein family (Hsp40) member C5; plus strand). Cytogenetic location: 20q13.33.
Variant type: single nucleotide variant.
Coding change: c.*1630C>T on transcript NM_025219.3 (MANE Select); 1630 bases downstream of the stop codon, C replaced by T.
Molecular consequence: 3 prime UTR variant.
Genome position (GRCh38, 1-based): chr20:63,933,198, C>T. VCF-style: chr20-63933198-C-T. GRCh37 (hg19) VCF-style: chr20-62564551-C-T.
Identifiers: ClinVar variation 339397 (VCV000339397.6), dbSNP rs527390994, ClinGen allele CA10644404.
Genomic context (GRCh38, chr20:63,933,198, plus strand): 5'-GAGGCTGTGTGTGATGGCTCTGGCTCGGACCAACCAGATGAGCCTCCTGAAGCCCCCTTC[C>T]CTGCCTGCCTGCTGACCCGTGGCCCCAGCTCACTCATTGCCCTCAGCAGCCACCCGAGGC-3'

ClinVar aggregate classification (germline): Benign (1 of 4 stars; one submission).

Conditions:
Ceroid lipofuscinosis, neuronal, 4 (Kufs type) (CLN4). Also called: Neuronal ceroid lipofuscinosis 4B; Ceroid lipofuscinosis, neuronal, 4, Parry type. Identifiers: Orphanet 228343, Orphanet 79262, MedGen C1834207, MONDO:0008083, OMIM 162350.

Allele frequency attached by ClinVar (database versions not stated): 1000 Genomes Project 0.00040; 1000 Genomes Project 30x 0.00047; gnomAD 0.00049 and 0.00050; TOPMed 0.00065.

Submission:

Illumina Laboratory Services, Illumina
Classification: Benign for Ceroid lipofuscinosis, neuronal, 4 (Kufs type). Last evaluated: 2018-01-13. Review status: criteria provided, single submitter. Criteria: ICSL Variant Classification Criteria 13 December 2019. Collection method: clinical testing. Allele origin: germline.
Comment: This variant was observed in the ICSL laboratory as part of a predisposition screen in an ostensibly healthy population. It had not been previously curated by ICSL or reported in the Human Gene Mutation Database (HGMD: prior to June 1st, 2018), and was therefore a candidate for classification through an automated scoring system. Utilizing variant allele frequency, disease prevalence and penetrance estimates, and inheritance mode, an automated score was calculated to assess if this variant is too frequent to cause the disease. Based on the score and internal cut-off values, a variant classified as benign is not then subjected to further curation. The score for this variant resulted in a classification of benign for this disease.